The following is an entry in ClinVar:

NM_139276.3(STAT3):c.912G>A (p.Met304Ile)

Gene: STAT3 (signal transducer and activator of transcription 3; minus strand). Cytogenetic location: 17q21.2.
Variant type: single nucleotide variant.
Coding change: c.912G>A on transcript NM_139276.3 (MANE Select); coding-DNA position 912, G replaced by A.
Protein change: p.Met304Ile; replaces methionine 304 with isoleucine.
Molecular consequence: missense variant.
Genome position (GRCh38, 1-based): chr17:42,333,935, C>T on the plus strand (G>A on the coding strand, the complement: STAT3 is on the minus strand). VCF-style: chr17-42333935-C-T. GRCh37 (hg19) VCF-style: chr17-40485953-C-T.
Other names: c.912G>A, p.Met304Ile (NM_001369512.1, NM_001384986.1, NM_001384987.1 and 15 more transcripts); c.816G>A, p.Met272Ile (NM_001384989.1); c.834G>A, p.Met278Ile (NM_001384985.1); short protein forms M272I, M304I, M278I.
Identifiers: ClinVar variation 2000478 (VCV002000478.4), dbSNP rs2144831622, ClinGen allele CA399591066.

ClinVar aggregate classification (germline): Uncertain significance (1 of 4 stars; one submission).

Conditions:
Hyper-IgE recurrent infection syndrome 1, autosomal dominant. Also called: JOB SYNDROME; HYPER-IgE SYNDROME 1, AUTOSOMAL DOMINANT, WITH RECURRENT INFECTIONS; Job's Syndrome; STAT3 Hyper IgE Syndrome; Hyper-IgE recurrent infection syndrome 1. Identifiers: Orphanet 2314, MedGen C2936739, MONDO:0007818, OMIM 147060.
STAT3 gain of function. Identifiers: MedGen C4288261.

Submission:

Labcorp Genetics (formerly Invitae), Labcorp
Classification: Uncertain significance for STAT3 gain of function; Hyper-IgE recurrent infection syndrome 1, autosomal dominant. Last evaluated: 2022-11-22. Review status: criteria provided, single submitter. Criteria: Invitae Variant Classification Sherloc (09022015). Collection method: clinical testing. Allele origin: germline.
Comment: This variant is not present in population databases (gnomAD no frequency). In summary, the available evidence is currently insufficient to determine the role of this variant in disease. Therefore, it has been classified as a Variant of Uncertain Significance. Advanced modeling of protein sequence and biophysical properties (such as structural, functional, and spatial information, amino acid conservation, physicochemical variation, residue mobility, and thermodynamic stability) performed at Invitae indicates that this missense variant is not expected to disrupt STAT3 protein function. This variant has not been reported in the literature in individuals affected with STAT3-related conditions. This sequence change replaces methionine, which is neutral and non-polar, with isoleucine, which is neutral and non-polar, at codon 304 of the STAT3 protein (p.Met304Ile).